The following is an entry in ClinVar:

NM_033026.6(PCLO):c.15160T>C (p.Tyr5054His)

Gene: PCLO (piccolo presynaptic cytomatrix protein; minus strand). Cytogenetic location: 7q21.11.
Variant type: single nucleotide variant.
Coding change: c.15160T>C on transcript NM_033026.6 (MANE Select); coding-DNA position 15160, T replaced by C.
Protein change: p.Tyr5054His; replaces tyrosine 5054 with histidine.
Molecular consequence: missense variant.
Genome position (GRCh38, 1-based): chr7:82,760,767, A>G on the plus strand (T>C on the coding strand, the complement: PCLO is on the minus strand). VCF-style: chr7-82760767-A-G. GRCh37 (hg19) VCF-style: chr7-82390083-A-G.
Other names: c.15160T>C (NM_033026.5); short protein forms Y5054H.
Identifiers: ClinVar variation 2184992 (VCV002184992.3), dbSNP rs1260588243, ClinGen allele CA368019796.
Genomic context (GRCh38, chr7:82,760,767, plus strand): 5'-GTCTGCATACTCTTGTTTTTTTCTTGATCACCTTTTTTTGGGTAGAAATATTCATCACAT[A>G]TATTTTCACATATAAATCTGAAAATAAGAATTCAGCCCATTAAATTCCATCAATCATATA-3'
Protein context (NP_149015.2, residues 5044-5064): DHLPDLYVKI[Tyr5054His]VMNISTQKKV

ClinVar aggregate classification (germline): Uncertain significance. Review status: criteria provided, multiple submitters, no conflicts (2 of 4 stars). 2 submissions from 2 submitters: Uncertain significance (2). Last evaluated 2023-05-04.

Conditions:
Inborn genetic diseases. Identifiers: MedGen C0950123, MeSH D030342.

Allele frequency attached by ClinVar (database versions not stated): TOPMed below 0.00001; gnomAD 0.00001; gnomAD exomes 0.00001.
gnomAD v4.1: 8 of 1,456,484 alleles (0.00055%); highest among the groups gnomAD compares: Non-Finnish European, 0.00076%; no homozygotes.

Submissions (2):

Ambry Genetics
Classification: Uncertain significance for Inborn genetic diseases. Last evaluated: 2023-05-04. Review status: criteria provided, single submitter. Criteria: Ambry Variant Classification Scheme 2023. Collection method: clinical testing. Allele origin: germline.

Labcorp Genetics (formerly Invitae), Labcorp
Classification: Uncertain significance. Last evaluated: 2022-03-12. Review status: criteria provided, single submitter. Criteria: Invitae Variant Classification Sherloc (09022015). Collection method: clinical testing. Allele origin: germline.
Comment: This sequence change replaces tyrosine, which is neutral and polar, with histidine, which is basic and polar, at codon 5054 of the PCLO protein (p.Tyr5054His). This variant is present in population databases (no rsID available, gnomAD 0.005%). This variant has not been reported in the literature in individuals affected with PCLO-related conditions. Algorithms developed to predict the effect of missense changes on protein structure and function are either unavailable or do not agree on the potential impact of this missense change (SIFT: "Deleterious"; PolyPhen-2: "Not Available"; Align-GVGD: "Class C0"). In summary, the available evidence is currently insufficient to determine the role of this variant in disease. Therefore, it has been classified as a Variant of Uncertain Significance.